The following is an entry in ClinVar:

ClinVar aggregate classification (germline): Conflicting classifications of pathogenicity. Review status: criteria provided, conflicting classifications (1 of 4 stars). 2 submissions from 2 submitters: Uncertain significance (1); Likely benign (1). Last evaluated 2024-10-09.

Conditions:
GPBAR1-related disorder. Also called: GPBAR1-related condition.

Allele frequency attached by ClinVar (database versions not stated): ExAC 0.00004; TOPMed 0.00015; 1000 Genomes Project 30x 0.00016; 1000 Genomes Project 0.00020; gnomAD 0.00026.

Submissions (2):

PreventionGenetics, part of Exact Sciences
Classification: Likely benign for GPBAR1-related condition. Last evaluated: 2024-10-09. Review status: criteria provided, single submitter. Criteria: ACMG Guidelines, 2015. Collection method: clinical testing. Allele origin: germline.
Comment: This variant is classified as likely benign based on ACMG/AMP sequence variant interpretation guidelines (Richards et al. 2015 PMID: 25741868, with internal and published modifications).

Eurofins Ntd Llc (ga)
Classification: Uncertain significance. Last evaluated: 2018-01-16. Review status: criteria provided, single submitter. Criteria: EGL Classification Definitions 2015. Collection method: clinical testing. Allele origin: germline. Observed: 1 variant allele, 1 heterozygote.

NM_170699.3(GPBAR1):c.90C>G (p.Thr30=)

Gene: GPBAR1 (G protein-coupled bile acid receptor 1; plus strand). Cytogenetic location: 2q35.
Variant type: single nucleotide variant.
Coding change: c.90C>G on transcript NM_170699.3 (MANE Select); coding-DNA position 90, C replaced by G.
Protein change: p.Thr30=; no amino-acid change (threonine 30 retained).
Molecular consequence: synonymous variant.
Genome position (GRCh38, 1-based): chr2:218,262,814, C>G. VCF-style: chr2-218262814-C-G. GRCh37 (hg19) VCF-style: chr2-219127537-C-G.
Other names: c.90C>G, p.Thr30= (NM_001077191.2, NM_001077194.2, NM_001321950.2); c.90C>G (NM_001321950.1).
Identifiers: ClinVar variation 595772 (VCV000595772.6), dbSNP rs200372604, ClinGen allele CA2102508.